The following is an entry in ClinVar:

ClinVar aggregate classification (germline): Pathogenic (1 of 4 stars; one submission).

Conditions:
Renal cysts and diabetes syndrome (RCAD). Also called: Familial hypoplastic, glomerulocystic kidney; MATURITY-ONSET DIABETES OF THE YOUNG, TYPE 5. Identifiers: Orphanet 93111, MedGen C0431693, MONDO:0007669, OMIM 137920.

Submission:

Institute of Human Genetics, FAU Erlangen, Friedrich-Alexander-Universität Erlangen-Nürnberg
Classification: Pathogenic for Renal cysts and diabetes syndrome. Last evaluated: 2019-07-06. Review status: criteria provided, single submitter. Criteria: ACMG Guidelines, 2015. Collection method: literature only. Allele origin: germline. Affected: yes.
Comment: This variant and it's classification has been reported by Vasileiou et al. 2019; DOI:10.1101/576918. The variants has previously been reported in PMID:25536396 as "c.1046-?_1674+?del Exon5-9" with clinical significance Pathogenic. It has been re-classified using InterVar and manual curation as Pathogenic based on PVS1 PS4 PM2 PP4.

Literature cited by the submitters: PubMed 25536396; DOI 10.1101/576918.

NM_000458.3:c.1046_1674del

Gene: HNF1B (HNF1 homeobox B; minus strand). Cytogenetic location: 17q12.
Variant type: Deletion.
Identifiers: ClinVar variation 635748 (VCV000635748.1).